The following is an entry in ClinVar:

ClinVar aggregate classification (germline): Uncertain significance (1 of 4 stars; one submission).

Conditions:
VPS13B-related disorder. Also called: VPS13B-related condition.

gnomAD v4.1: 13 of 1,614,100 alleles (0.00081%); highest among the groups gnomAD compares: African/African-American, 0.0027%; no homozygotes.

Submission:

PreventionGenetics, part of Exact Sciences
Classification: Uncertain significance for VPS13B-related condition. Last evaluated: 2025-04-08. Review status: criteria provided, single submitter. Criteria: ACMG Guidelines, 2015. Collection method: clinical testing. Allele origin: germline.
Comment: The VPS13B c.11930C>T variant is predicted to result in the amino acid substitution p.Ala3977Val. To our knowledge, this variant has not been reported in the literature. This variant is present in 0.0062% of alleles in individuals of African descent in gnomAD. At this time, the clinical significance of this variant is uncertain due to the absence of conclusive functional and genetic evidence.

NM_152564.5(VPS13B):c.11930C>T (p.Ala3977Val)

Gene: VPS13B (vacuolar protein sorting 13 homolog B; plus strand). Cytogenetic location: 8q22.2.
Variant type: single nucleotide variant.
Coding change: c.11930C>T on transcript NM_152564.5 (MANE Select); coding-DNA position 11930, C replaced by T.
Protein change: p.Ala3977Val; replaces alanine 3977 with valine.
Molecular consequence: missense variant.
Genome position (GRCh38, 1-based): chr8:99,875,602, C>T. VCF-style: chr8-99875602-C-T. GRCh37 (hg19) VCF-style: chr8-100887830-C-T.
Other names: c.12005C>T, p.Ala4002Val (NM_017890.5); short protein forms A3977V, A4002V.
Identifiers: ClinVar variation 4996086 (VCV004996086.1).